The following is an entry in ClinVar:

NM_198859.4(PRICKLE2):c.913T>G (p.Phe305Val)

Gene: PRICKLE2 (prickle planar cell polarity protein 2; minus strand). Cytogenetic location: 3p14.1.
Variant type: single nucleotide variant.
Coding change: c.913T>G on transcript NM_198859.4 (MANE Select); coding-DNA position 913, T replaced by G.
Protein change: p.Phe305Val; replaces phenylalanine 305 with valine.
Molecular consequence: missense variant.
Genome position (GRCh38, 1-based): chr3:64,147,577, A>C on the plus strand (T>G on the coding strand, the complement: PRICKLE2 is on the minus strand). VCF-style: chr3-64147577-A-C. GRCh37 (hg19) VCF-style: chr3-64133253-A-C.
Other names: c.913T>G, p.Phe305Val (NM_001370528.1); short protein forms F305V.
Identifiers: ClinVar variation 969024 (VCV000969024.2), dbSNP rs2077478096, ClinGen allele CA353432255.

ClinVar aggregate classification (germline): Uncertain significance (1 of 4 stars; one submission).

Conditions:
Progressive myoclonic epilepsy type 5. Identifiers: Orphanet 402082, MedGen C5190799.

Submission:

Labcorp Genetics (formerly Invitae), Labcorp
Classification: Uncertain significance for Progressive myoclonic epilepsy type 5. Last evaluated: 2019-10-29. Review status: criteria provided, single submitter. Criteria: Invitae Variant Classification Sherloc (09022015). Collection method: clinical testing. Allele origin: germline.
Comment: This sequence change replaces phenylalanine with valine at codon 305 of the PRICKLE2 protein (p.Phe305Val). The phenylalanine residue is highly conserved and there is a small physicochemical difference between phenylalanine and valine. This variant is not present in population databases (ExAC no frequency). This variant has not been reported in the literature in individuals with PRICKLE2-related conditions. Algorithms developed to predict the effect of missense changes on protein structure and function (SIFT, PolyPhen-2, Align-GVGD) all suggest that this variant is likely to be disruptive, but these predictions have not been confirmed by published functional studies and their clinical significance is uncertain. In summary, the available evidence is currently insufficient to determine the role of this variant in disease. Therefore, it has been classified as a Variant of Uncertain Significance.